The following is an entry in ClinVar:

ClinVar aggregate classification (germline): Uncertain significance (1 of 4 stars; one submission).

Conditions:
Cardiovascular phenotype. Identifiers: MedGen CN230736.

Allele frequency attached by ClinVar (database versions not stated): gnomAD 0.00001; gnomAD exomes 0.00001; 1000 Genomes Project 30x 0.00016; 1000 Genomes Project 0.00020.

Submission:

Ambry Genetics
Classification: Uncertain significance for Cardiovascular phenotype. Last evaluated: 2022-12-14. Review status: criteria provided, single submitter. Criteria: Ambry Variant Classification Scheme 2023. Collection method: clinical testing. Allele origin: germline.
Comment: The p.M111I variant (also known as c.333G>T), located in coding exon 3 of the APOA5 gene, results from a G to T substitution at nucleotide position 333. The methionine at codon 111 is replaced by isoleucine, an amino acid with highly similar properties. This amino acid position is conserved. In addition, this alteration is predicted to be tolerated by in silico analysis. Since supporting evidence is limited at this time, the clinical significance of this alteration remains unclear.

NM_001371904.1(APOA5):c.333G>T (p.Met111Ile)

Gene: APOA5 (apolipoprotein A5; minus strand). Cytogenetic location: 11q23.3.
Variant type: single nucleotide variant.
Coding change: c.333G>T on transcript NM_001371904.1 (MANE Select); coding-DNA position 333, G replaced by T.
Protein change: p.Met111Ile; replaces methionine 111 with isoleucine.
Molecular consequence: missense variant.
Genome position (GRCh38, 1-based): chr11:116,790,896, C>A on the plus strand (G>T on the coding strand, the complement: APOA5 is on the minus strand). VCF-style: chr11-116790896-C-A. GRCh37 (hg19) VCF-style: chr11-116661612-C-A.
Other names: c.333G>T, p.Met111Ile (NM_001166598.2, NM_052968.5); short protein forms M111I.
Identifiers: ClinVar variation 2452818 (VCV002452818.2), dbSNP rs565944950, ClinGen allele CA6289091.